The following is an entry in ClinVar:

NM_020778.5(ALPK3):c.4771G>C (p.Gly1591Arg)

Gene: ALPK3 (alpha kinase 3; plus strand). Cytogenetic location: 15q25.3.
Variant type: single nucleotide variant.
Coding change: c.4771G>C on transcript NM_020778.5 (MANE Select); coding-DNA position 4771, G replaced by C.
Protein change: p.Gly1591Arg; replaces glycine 1591 with arginine.
Molecular consequence: missense variant.
Genome position (GRCh38, 1-based): chr15:84,867,364, G>C. VCF-style: chr15-84867364-G-C. GRCh37 (hg19) VCF-style: chr15-85410595-G-C.
Other names: short protein forms G1591R.
Identifiers: ClinVar variation 4778800 (VCV004778800.1).
Genomic context (GRCh38, chr15:84,867,364, plus strand): 5'-TCTCTCTTTTCAGGGGTTGACTGGAAGATGACTGATGTGCAGATTGCTACCAAACTCCGA[G>C]GGTGAGTGGTTCTTGGGGACAGAATGCCCTCTGGGCGTCTTCTCAGGGTGTAAAATGTCC-3'
Protein context (NP_065829.4, residues 1581-1601): TDVQIATKLR[Gly1591Arg]YQGLKESCFP

ClinVar aggregate classification (germline): Uncertain significance (1 of 4 stars; one submission).

Submission:

Labcorp Genetics (formerly Invitae), Labcorp
Classification: Uncertain significance. Last evaluated: 2025-09-11. Review status: criteria provided, single submitter. Criteria: Invitae Variant Classification Sherloc (09022015). Collection method: clinical testing. Allele origin: germline.
Comment: This sequence change replaces glycine, which is neutral and non-polar, with arginine, which is basic and polar, at codon 1793 of the ALPK3 protein (p.Gly1793Arg). This variant is not present in population databases (gnomAD no frequency). This variant has not been reported in the literature in individuals affected with ALPK3-related conditions. An algorithm developed to predict the effect of missense changes on protein structure and function (PolyPhen-2) suggests that this variant is likely to be disruptive. In summary, the available evidence is currently insufficient to determine the role of this variant in disease. Therefore, it has been classified as a Variant of Uncertain Significance.